The following is an entry in ClinVar:

NM_000282.4(PCCA):c.425G>T (p.Gly142Val)

Gene: PCCA (propionyl-CoA carboxylase subunit alpha; plus strand). Cytogenetic location: 13q32.3.
Variant type: single nucleotide variant.
Coding change: c.425G>T on transcript NM_000282.4 (MANE Select); coding-DNA position 425, G replaced by T.
Protein change: p.Gly142Val; replaces glycine 142 with valine.
Molecular consequence: missense variant. On other transcripts: 5 prime UTR variant (3), non-coding transcript variant (5).
Genome position (GRCh38, 1-based): chr13:100,157,297, G>T. VCF-style: chr13-100157297-G-T. GRCh37 (hg19) VCF-style: chr13-100809551-G-T.
Other names: c.347G>T, p.Gly116Val (NM_001127692.3, NM_001352607.2, NM_001352608.2); c.425G>T, p.Gly142Val (NM_001178004.2, NM_001352605.2, NM_001352606.2 and 1 more transcripts); c.-442G>T (NM_001352610.2, NM_001352611.2, NM_001352612.2); short protein forms G116V, G142V.
Identifiers: ClinVar variation 4818103 (VCV004818103.1).

ClinVar aggregate classification (germline): Likely pathogenic (1 of 4 stars; one submission).

Conditions:
Propionic acidemia (PROP). Also called: GLYCINEMIA, KETOTIC; HYPERGLYCINEMIA WITH KETOACIDOSIS AND LEUKOPENIA; KETOTIC HYPERGLYCINEMIA. Identifiers: Orphanet 35, MedGen C0268579, MONDO:0011628, OMIM 606054, HP:0003571.

gnomAD v4.1: 1 of 1,610,564 alleles (0.000062%); highest among the groups gnomAD compares: Non-Finnish European, 0.000085%; no homozygotes.

Submission:

Natera, Inc.
Classification: Likely pathogenic for Propionic acidemia. Last evaluated: 2024-10-29. Review status: criteria provided, single submitter. Criteria: Natera Variant Classification Schema (03/2026). Collection method: clinical testing. Allele origin: germline.
Comment: The c.425G>T variant in PCCA is a missense variant predicted to cause substitution of glycine to valine at amino acid 142. This variant is rare in the general population with a frequency below the threshold expected for the associated phenotype(s). This variant has been observed in one or more individuals affected with the associated recessive disease, as either homozygous or compound heterozygous with a second variant (PMID: 30274917). A different variant at the same position has been determined to be Pathogenic or Likely Pathogenic. Computational prediction algorithms indicate this variant is likely to affect gene or protein function. Given the available evidence, this variant is classified as Likely Pathogenic.

Literature cited by the submitters: PubMed 30274917.